The following is an entry in ClinVar:

ClinVar aggregate classification (germline): Likely benign (1 of 4 stars; one submission).

Conditions:
MORC2-related disorder. Also called: MORC2-related condition.

gnomAD v4.1: 4 of 1,611,474 alleles (0.00025%); highest among the groups gnomAD compares: Non-Finnish European, 0.00034%; no homozygotes.

Submission:

PreventionGenetics, part of Exact Sciences
Classification: Likely benign for MORC2-related condition. Last evaluated: 2026-04-23. Review status: criteria provided, single submitter. Criteria: ACMG Guidelines, 2015. Collection method: clinical testing. Allele origin: germline.
Comment: This variant is classified as likely benign based on ACMG/AMP sequence variant interpretation guidelines (Richards et al. 2015 PMID: 25741868, with internal and published modifications).

NM_001303256.3(MORC2):c.*8A>G

Gene: MORC2 (MORC family CW-type zinc finger 2; minus strand). Cytogenetic location: 22q12.2.
Variant type: single nucleotide variant.
Coding change: c.*8A>G on transcript NM_001303256.3 (MANE Select); 8 bases downstream of the stop codon, A replaced by G.
Molecular consequence: 3 prime UTR variant.
Genome position (GRCh38, 1-based): chr22:30,926,795, T>C on the plus strand (A>G on the coding strand, the complement: MORC2 is on the minus strand). VCF-style: chr22-30926795-T-C. GRCh37 (hg19) VCF-style: chr22-31322782-T-C.
Other names: c.*8A>G (NM_001303257.2, NM_014941.3).
Identifiers: ClinVar variation 4984613 (VCV004984613.1).